The following is an entry in ClinVar:

ClinVar aggregate classification (germline): Likely benign. Review status: criteria provided, multiple submitters, no conflicts (2 of 4 stars). 5 submissions from 5 submitters: Likely benign (4). 1 of the submissions does not count toward it. Last evaluated 2025-07-13.

Conditions:
Usher syndrome type 1B (USH1B). Also called: Usher syndrome type IB. Identifiers: MedGen C1848638, MONDO:0700087.
MYO7A-related disorder. Also called: MYO7A-related disorders.

Allele frequency attached by ClinVar (database versions not stated): ExAC 0.00002; gnomAD 0.00003 and 0.00006; gnomAD exomes 0.00003; ESP Exome Variant Server 0.00008; TOPMed 0.00010; 1000 Genomes Project 30x 0.00016; 1000 Genomes Project 0.00020.
gnomAD v4.1: 51 of 1,612,988 alleles (0.0032%); highest among the groups gnomAD compares: African/African-American, 0.004%; no homozygotes.

Submissions (5):

PreventionGenetics, part of Exact Sciences
Classification: Likely benign for MYO7A-related condition. Last evaluated: 2025-07-13. Review status: criteria provided, single submitter. Criteria: ACMG Guidelines, 2015. Collection method: clinical testing. Allele origin: germline.
Comment: This variant is classified as likely benign based on ACMG/AMP sequence variant interpretation guidelines (Richards et al. 2015 PMID: 25741868, with internal and published modifications).

Labcorp Genetics (formerly Invitae), Labcorp
Classification: Likely benign. Last evaluated: 2025-01-13. Review status: criteria provided, single submitter. Criteria: Invitae Variant Classification Sherloc (09022015). Collection method: clinical testing. Allele origin: germline.

Blueprint Genetics
Classification: Likely benign. Last evaluated: 2024-07-23. Review status: criteria provided, single submitter. Criteria: ACMG Guidelines, 2015. Collection method: clinical testing. Allele origin: germline.

Laboratory for Molecular Medicine, Mass General Brigham Personalized Medicine
Classification: Likely benign. Last evaluated: 2012-04-30. Review status: criteria provided, single submitter. Criteria: LMM Criteria. Collection method: clinical testing. Allele origin: germline. Observed: 1 variant allele.
Comment: Leu1090Leu in Exon 25 of MYO7A: This variant is not expected to have clinical significance because it does not alter an amino acid residue, is not located within the splice consensus sequence, and has been identified in 2/6790 European American chromosomes from a broad population by the NHLBI Exome Sequencing Project.

Natera, Inc.
Classification: Uncertain significance for Usher syndrome type 1B. Last evaluated: 2020-04-16. Review status: no assertion criteria provided. Collection method: clinical testing. Allele origin: germline. Not counted in ClinVar's aggregate classification.

NM_000260.4(MYO7A):c.3270G>A (p.Leu1090=)

Gene: MYO7A (myosin VIIA; plus strand). Cytogenetic location: 11q13.5.
Variant type: single nucleotide variant.
Coding change: c.3270G>A on transcript NM_000260.4 (MANE Select); coding-DNA position 3270, G replaced by A.
Protein change: p.Leu1090=; no amino-acid change (leucine 1090 retained).
Molecular consequence: synonymous variant.
Genome position (GRCh38, 1-based): chr11:77,182,585, G>A. VCF-style: chr11-77182585-G-A. GRCh37 (hg19) VCF-style: chr11-76893630-G-A.
Other names: c.3270G>A, p.Leu1090= (NM_001127180.2); c.3237G>A, p.Leu1079= (NM_001369365.1).
Identifiers: ClinVar variation 753607 (VCV000753607.18), dbSNP rs370305347, ClinGen allele CA6198015.